The following is an entry in ClinVar:

NM_000093.5(COL5A1):c.3263C>G (p.Ser1088Cys)

Gene: COL5A1 (collagen type V alpha 1 chain; plus strand). Cytogenetic location: 9q34.3.
Variant type: single nucleotide variant.
Coding change: c.3263C>G on transcript NM_000093.5 (MANE Select); coding-DNA position 3263, C replaced by G.
Protein change: p.Ser1088Cys; replaces serine 1088 with cysteine.
Molecular consequence: missense variant.
Genome position (GRCh38, 1-based): chr9:134,806,193, C>G. VCF-style: chr9-134806193-C-G. GRCh37 (hg19) VCF-style: chr9-137698039-C-G.
Other names: c.3263C>G, p.Ser1088Cys (NM_001278074.1); short protein forms S1088C.
Identifiers: ClinVar variation 459672 (VCV000459672.10), dbSNP rs1383949759, ClinGen allele CA375451619.

ClinVar aggregate classification (germline): Uncertain significance (1 of 4 stars; one submission).

Conditions:
Ehlers-Danlos syndrome, classic type, 1 (EDSCL1). Also called: EHLERS-DANLOS SYNDROME, GRAVIS TYPE; EHLERS-DANLOS SYNDROME, SEVERE CLASSIC TYPE; EDS I; Ehlers-Danlos Syndrome, Classic Type, COL5A1-Related; Ehlers-Danlos syndrome, type 1. Identifiers: MedGen C0268335, MONDO:0019567, OMIM 130000.

Submission:

Labcorp Genetics (formerly Invitae), Labcorp
Classification: Uncertain significance for Ehlers-Danlos syndrome, classic type, 1. Last evaluated: 2017-04-03. Review status: criteria provided, single submitter. Criteria: Invitae Variant Classification Sherloc (09022015). Collection method: clinical testing. Allele origin: germline.
Comment: In summary, this variant is a novel missense change with uncertain impact on protein function. It has been classified as a Variant of Uncertain Significance. Algorithms developed to predict the effect of missense changes on protein structure and function do not agree on the potential impact of this missense change (SIFT: "Deleterious"; PolyPhen-2: "Unknown"; Align-GVGD: "Class C0"). This variant is not present in population databases (ExAC no frequency) and has not been reported in the literature in individuals with a COL5A1-related disease. This sequence change replaces serine with cysteine at codon 1088 of the COL5A1 protein (p.Ser1088Cys). The serine residue is highly conserved and there is a moderate physicochemical difference between serine and cysteine.